The following is an entry in ClinVar:

NM_001715.3(BLK):c.1175A>G (p.Gln392Arg)

Gene: BLK (BLK proto-oncogene, Src family tyrosine kinase). Cytogenetic location: 8p23.1.
Variant type: single nucleotide variant.
Coding change: c.1175A>G on transcript NM_001715.3 (MANE Select); coding-DNA position 1175, A replaced by G.
Protein change: p.Gln392Arg; replaces glutamine 392 with arginine.
Molecular consequence: missense variant.
Genome position (GRCh38, 1-based): chr8:11,561,447, A>G. VCF-style: chr8-11561447-A-G. GRCh37 (hg19) VCF-style: chr8-11418956-A-G.
Other names: c.962A>G, p.Gln321Arg (NM_001330465.2); short protein forms Q321R, Q392R.
Identifiers: ClinVar variation 3660134 (VCV003660134.2).
Genomic context (GRCh38, chr8:11,561,447, plus strand): 5'-TGTGCTGCAAAATTGCTGATTTTGGCTTGGCTCGAATCATCGACAGTGAATACACGGCCC[A>G]AGAGGGTAAGCACAGCCCCTAACCACAAGGGAAACCTAGGGCCTTATCTTTCCCAGCTCC-3'
Protein context (NP_001706.2, residues 382-402): ARIIDSEYTA[Gln392Arg]EGAKFPIKWT

ClinVar aggregate classification (germline): Uncertain significance (1 of 4 stars; one submission).

gnomAD v4.1: 5 of 1,613,840 alleles (0.00031%); highest among the groups gnomAD compares: Non-Finnish European, 0.00034%; no homozygotes.

Submission:

Labcorp Genetics (formerly Invitae), Labcorp
Classification: Uncertain significance. Last evaluated: 2026-01-26. Review status: criteria provided, single submitter. Criteria: Invitae Variant Classification Sherloc (09022015). Collection method: clinical testing. Allele origin: germline.
Comment: This sequence change replaces glutamine, which is neutral and polar, with arginine, which is basic and polar, at codon 392 of the BLK protein (p.Gln392Arg). This variant is not present in population databases (gnomAD no frequency). This variant has not been reported in the literature in individuals affected with BLK-related conditions. ClinVar contains an entry for this variant (Variation ID: 3660134). An algorithm developed to predict the effect of missense changes on protein structure and function (PolyPhen-2) suggests that this variant is likely to be tolerated. In summary, the available evidence is currently insufficient to determine the role of this variant in disease. Therefore, it has been classified as a Variant of Uncertain Significance.